The following is an entry in ClinVar:

ClinVar aggregate classification (germline): Pathogenic/Likely pathogenic. Review status: criteria provided, multiple submitters, no conflicts (2 of 4 stars). 11 submissions from 11 submitters: Pathogenic (6); Likely pathogenic (5). Last evaluated 2026-02-06.

Conditions:
Thrombophilia, X-linked, due to factor 8 defect. Also called: THROMBOPHILIA, X-LINKED, DUE TO FACTOR VIII DEFECT; Thrombophilia 13, X-linked, due to factor VIII defect. Identifiers: MedGen C5676879, MONDO:0859082, OMIM 301071.
F8-related disorder. Also called: F8-related condition.
Hereditary factor VIII deficiency disease (HEMA). Also called: Hemophilia A, congenital; HEM A; Factor 8 deficiency, congenital; AUTOSOMAL HEMOPHILIA A; HEMOPHILIA, CLASSIC; Hemophilia A. Identifiers: Orphanet 98878, MedGen C0019069, MONDO:0010602, OMIM 306700.
Inborn genetic diseases. Identifiers: MedGen C0950123, MeSH D030342.
Hereditary factor IX deficiency disease (HEMB). Also called: PLASMA THROMBOPLASTIN COMPONENT DEFICIENCY; F9 DEFICIENCY; FACTOR IX DEFICIENCY; Hemophilia B; Christmas Disease. Identifiers: Orphanet 98879, MedGen C0008533, MeSH D002836, MONDO:0010604, OMIM 306900.

Allele frequency attached by ClinVar (database versions not stated): ExAC 0.00003; gnomAD exomes 0.00003 and 0.00007; gnomAD 0.00008 and 0.00009; TOPMed 0.00017; ESP Exome Variant Server 0.00019.
gnomAD v4.1: 84 of 1,206,723 alleles (0.007%); highest among the groups gnomAD compares: Non-Finnish European, 0.009%; no homozygotes.

Submissions (11):

PreventionGenetics, part of Exact Sciences
Classification: Pathogenic for F8-related condition. Last evaluated: 2026-02-06. Review status: criteria provided, single submitter. Criteria: ACMG Guidelines, 2015. Collection method: clinical testing. Allele origin: germline.
Comment: The F8 c.6089G>A variant is predicted to result in the amino acid substitution p.Ser2030Asn. This variant, also described using legacy nomenclature as p.Ser2011Asn, has been reported in several studies of patients with bleeding disorders and mild forms of Hemophilia A (Liu et al. 1998. PubMed ID: 9886318; Lannoy et al. 2015. PubMed ID: 25824987; Downes et al. 2019. PubMed ID: 31064749. Suppl3_SNV+INDEL; Factor VIII Gene (F8) Variant Database). This variant is reported in 0.0061% of alleles in individuals of European (Non-Finnish) descent in gnomAD. This variant is interpreted as pathogenic.

Women's Health and Genetics/Laboratory Corporation of America, LabCorp
Classification: Likely pathogenic for Hereditary factor VIII deficiency disease. Last evaluated: 2025-04-29. Review status: criteria provided, single submitter. Criteria: LabCorp Variant Classification Summary - May 2015. Collection method: clinical testing. Allele origin: germline.
Comment: Variant summary: F8 c.6089G>A (p.Ser2030Asn) results in a conservative amino acid change located in the Multicopper oxidase, C-terminal domain (IPR011706) of the encoded protein sequence. Three of five in-silico tools predict a benign effect of the variant on protein function. The variant allele was found at a frequency of 2.7e-05 in 183248 control chromosomes in the gnomAD database to include 3 hemizygous males and two females. The presence of low frequency treatable pediatric disease alleles in gnomAD has been acknolwedged (Gold_2022). c.6089G>A has been widely reported in the literature in multiple individuals affected with Factor VIII Deficiency (Hemophilia A) (example, Nance_2013, Lannoy_2015, Downes_2019, Guillet_2024). Some studies report this variant as a mild Hemophilia A variant. These data indicate that the variant is very likely to be associated with disease. The following publications have been ascertained in the context of this evaluation (PMID: 31064749, 18691168, 38759975, 25824987, 34242570, 23711294). ClinVar contains an entry for this variant (Variation ID: 439683). Based on the evidence outlined above, the variant was classified as likely pathogenic.

ARUP Laboratories, Molecular Genetics and Genomics, ARUP Laboratories
Classification: Pathogenic. Last evaluated: 2025-04-15. Review status: criteria provided, single submitter. Criteria: ARUP Molecular Germline Variant Investigation Process 2024. Collection method: clinical testing. Allele origin: germline.
Comment: The F8 c.6089G>A; p.Ser2030Asn variant (rs369414658), also known as Ser2011Asn, is reported in the literature in multiple individuals affected with mild hemophilia A (see F8 database and references therein, Lannoy 2015, Liu 1998, Markoff 2009, Repesse 2007) and is considered a pathogenic founder variant in the Belgian population (Lannoy 2015). This variant is reported in ClinVar (Variation ID: 439683). It is found in the non-Finnish European population with an allele frequency of 0.006% (5/81740 alleles, including 3 hemizygotes) in the Genome Aggregation Database. The serine at codon 2030 is highly conserved, but computational analyses are uncertain whether this variant is neutral or deleterious (REVEL: 0.573). Based on available information, this variant is considered to be pathogenic. References: European Association of Haemophilia and Allied Disorders (EAHAD)-Factor VIII Variant Database: Lannoy N et al. Overrepresentation of missense mutations in mild hemophilia A patients from Belgium: founder effect or independent occurrence? Thromb Res. 2015 135:1057-1063. PMID: 25824987. Liu M et al. A domain mutations in 65 haemophilia A families and molecular modelling of dysfunctional factor VIII proteins. Br J Haematol. 1998 103:1051-1060. PMID: 9886318. Markoff A et al. Combined homology modelling and evolutionary significance evaluation of missense mutations in blood clotting factor VIII to highlight aspects of structure and function. Haemophilia. 2009 15:932-941. PMID: 19473423. Repesse Y et al. Factor VIII (FVIII) gene mutations in 120 patients with hemophilia A: detection of 26 novel mutations and correlation with FVIII inhibitor development. J Thromb Haemost. 2007 5:1469-1476. PMID: 17445092.

Revvity Omics, Revvity
Classification: Likely pathogenic. Last evaluated: 2024-10-10. Review status: criteria provided, single submitter. Criteria: ACMG Guidelines, 2015. Collection method: clinical testing. Allele origin: germline.

Mayo Clinic Laboratories, Mayo Clinic
Classification: Pathogenic. Last evaluated: 2024-04-29. Review status: criteria provided, single submitter. Criteria: ACMG Guidelines, 2015. Collection method: clinical testing. Allele origin: germline. Observed: 7 variant alleles.
Comment: PM1, PM2_moderate, PS3_supporting, PS4_moderate

Ambry Genetics
Classification: Likely pathogenic for Inborn genetic diseases. Last evaluated: 2024-01-30. Review status: criteria provided, single submitter. Criteria: Ambry Variant Classification Scheme 2023. Collection method: clinical testing. Allele origin: germline.
Comment: The c.6089G>A (p.S2030N) alteration is located in coding exon 19 of the F8 gene. This alteration results from a G to A substitution at nucleotide position 6089, causing the serine (S) at amino acid position 2030 to be replaced by an asparagine (N). Based on data from gnomAD, the A allele has an overall frequency of 0.003% (5/183248) total alleles studied, with 3 hemizygote(s) observed. The highest observed frequency was 0.006% (5/81740) of European (non-Finnish) alleles. This variant has been reported in multiple individuals meeting diagnostic criteria, including typically mild hemophilia and abnormal factor VIII clotting activity (Liu, 1998; Markoff, 2009; Lannoy, 2012; Lannoy, 2015; Johnsen, 2017; Karch, 2020). In one study, this variant was present in 10 unrelated Belgian families and haplotype analysis was suggestive of a founder effect (Lannoy, 2015). This amino acid position is not well conserved in available vertebrate species. This alteration is predicted to be tolerated by in silico analysis. Based on the available evidence, this alteration is classified as likely pathogenic.

Victorian Clinical Genetics Services, Murdoch Childrens Research Institute
Classification: Pathogenic for Hereditary factor VIII deficiency disease. Last evaluated: 2022-09-02. Review status: criteria provided, single submitter. Criteria: ACMG Guidelines, 2015. Collection method: clinical testing. Allele origin: germline. Inheritance: X-linked recessive inheritance. Affected: no.
Comment: Based on the classification scheme VCGS_Germline_v1.3.4, this variant is classified as pathogenic. The following criteria are met: 0102 - Loss of function is a known mechanism of disease in this gene and is associated with haemophilia A (MIM#306700). (I) 0109 - This gene is associated with X-linked recessive disease. (I) 0200 - Variant is predicted to result in a missense amino acid change from serine to asparagine. (I) 0251 - This variant is heterozygous. (I) 0304 - Variant is present in gnomAD (v2) <0.01 for a recessive condition (2 heterozygotes, 0 homozygotes, 3 hemizygotes). (SP) 0502 - Missense variant with conflicting in silico predictions and uninformative conservation. (I) 0600 - Variant is located in the annotated multicopper oxidase domain (DECIPHER). (I) 0801 - This variant has strong previous evidence of pathogenicity in unrelated individuals. This is a well reported pathogenic variant associated with mild haemophilia A (ClinVar, PMID: 29296726; 32166871; 18691168). (SP) Legend: (SP) - Supporting pathogenic, (I) - Information, (SB) - Supporting benign

Fulgent Genetics
Classification: Likely pathogenic for Thrombophilia, X-linked, due to factor 8 defect; Hereditary factor VIII deficiency disease. Last evaluated: 2022-05-09. Review status: criteria provided, single submitter. Criteria: ACMG Guidelines, 2015. Collection method: clinical testing. Allele origin: unknown.

Mendelics
Classification: Pathogenic for Thrombophilia, X-linked, due to factor 8 defect. Last evaluated: 2022-05-04. Review status: criteria provided, single submitter. Criteria: Mendelics Assertion Criteria 2019. Collection method: clinical testing. Allele origin: germline.

Genetics and Molecular Pathology, SA Pathology
Classification: Likely pathogenic for Hereditary factor VIII deficiency disease. Last evaluated: 2021-07-15. Review status: criteria provided, single submitter. Criteria: ACMG Guidelines, 2015. Collection method: clinical testing. Allele origin: germline. Inheritance: X-linked recessive inheritance. Affected: yes.
Comment: The F8 c.6089G>A variant is classified as Likely Pathogenic (PS4, PM1, PP3, PP4, PP5)

NIHR Bioresource Rare Diseases, University of Cambridge
Classification: Pathogenic for Hereditary factor IX deficiency disease. Last evaluated: 2019-02-01. Review status: criteria provided, single submitter. Criteria: ACMG Guidelines, 2015. Collection method: research. Allele origin: unknown. Affected: yes. Observed: 2 hemizygotes. Study: ThromboGenomics.

Literature cited by the submitters: PubMed 31064749 (cited by 3 submitters); PubMed 23711294 (cited by Women's Health and Genetics/Laboratory Corporation of America, LabCorp and Mayo Clinic Laboratories, Mayo Clinic); PubMed 25824987 (cited by 3 submitters); PubMed 18691168 (cited by 3 submitters); PubMed 38759975 (cited by Women's Health and Genetics/Laboratory Corporation of America, LabCorp); PubMed 34242570 (cited by Women's Health and Genetics/Laboratory Corporation of America, LabCorp and Mayo Clinic Laboratories, Mayo Clinic); PubMed 32166871 (cited by Mayo Clinic Laboratories, Mayo Clinic and Victorian Clinical Genetics Services, Murdoch Childrens Research Institute); PubMed 38578179 (cited by Mayo Clinic Laboratories, Mayo Clinic); PubMed 9886318 (cited by Mayo Clinic Laboratories, Mayo Clinic and Ambry Genetics); PubMed 19473423 (cited by Ambry Genetics); PubMed 21883705 (cited by Ambry Genetics); PubMed 29296726 (cited by Ambry Genetics and Victorian Clinical Genetics Services, Murdoch Childrens Research Institute); PubMed 32685904 (cited by Ambry Genetics).

NM_000132.4(F8):c.6089G>A (p.Ser2030Asn)

Gene: F8 (coagulation factor VIII; minus strand). Cytogenetic location: Xq28.
Variant type: single nucleotide variant.
Coding change: c.6089G>A on transcript NM_000132.4 (MANE Select); coding-DNA position 6089, G replaced by A.
Protein change: p.Ser2030Asn; replaces serine 2030 with asparagine.
Molecular consequence: missense variant.
Genome position (GRCh38, 1-based): chrX:154,902,077, C>T on the plus strand (G>A on the coding strand, the complement: F8 is on the minus strand). VCF-style: chrX-154902077-C-T. GRCh37 (hg19) VCF-style: chrX-154130352-C-T.
Other names: short protein forms S2030N.
Identifiers: ClinVar variation 439683 (VCV000439683.31), dbSNP rs369414658, ClinGen allele CA10567911.